The following is an entry in ClinVar:

NM_001267550.2(TTN):c.59764G>A (p.Ala19922Thr)

Genes: TTN (titin; minus strand), TTN-AS1 (TTN antisense RNA 1; plus strand), LOC126806424 (CDK7 strongly-dependent group 2 enhancer GRCh37_chr2:179456337-179457536; plus strand). Cytogenetic location: 2q31.2.
Variant type: single nucleotide variant.
Coding change: c.59764G>A on transcript NM_001267550.2 (MANE Select); coding-DNA position 59764, G replaced by A.
Protein change: p.Ala19922Thr; replaces alanine 19922 with threonine.
Molecular consequence: missense variant.
Genome position (GRCh38, 1-based): chr2:178,592,140, C>T on the plus strand (G>A on the coding strand, the complement: TTN is on the minus strand). VCF-style: chr2-178592140-C-T. GRCh37 (hg19) VCF-style: chr2-179456867-C-T.
Other names: c.54841G>A, p.Ala18281Thr (NM_001256850.1); c.32569G>A, p.Ala10857Thr (NM_003319.4); c.52060G>A, p.Ala17354Thr (NM_133378.4); c.32944G>A, p.Ala10982Thr (NM_133432.3); c.33145G>A, p.Ala11049Thr (NM_133437.4); short protein forms A11049T, A17354T, A19922T, A10857T, A10982T, A18281T.
Identifiers: ClinVar variation 4982738 (VCV004982738.1).
Genomic context (GRCh38, chr2:178,592,140, plus strand): 5'-TCAGATGCTTAGCGAAGTGACTCTTTTTCTTTGATGTAGCTGAGAGAGGTGACCACTGGG[C>T]GCTGGCAACATCTCTCCTCTCAACCACATAATTGGTAATAACAGAACCACCATCATCCAG-3'
Protein context (NP_001254479.2, residues 19912-19932): YVVERRDVAS[Ala19922Thr]QWSPLSATSK

ClinVar aggregate classification (germline): Uncertain significance (1 of 4 stars; one submission).

Conditions:
TTN-related disorder. Also called: TTN-related disorders; TTN-related condition; TTN-related disease.

Submission:

PreventionGenetics, part of Exact Sciences
Classification: Uncertain significance for TTN-related condition. Last evaluated: 2026-09-12. Review status: criteria provided, single submitter. Criteria: ACMG Guidelines, 2015. Collection method: clinical testing. Allele origin: germline.
Comment: The TTN c.59764G>A variant is predicted to result in the amino acid substitution p.Ala19922Thr. To our knowledge, this variant has not been reported in the literature. This variant is reported in 0.0045% of alleles in individuals of European (Non-Finnish) descent in gnomAD. At this time, the clinical significance of this variant is uncertain due to the absence of conclusive functional and genetic evidence.